The following is an entry in ClinVar:

ClinVar aggregate classification (germline): Conflicting classifications of pathogenicity. Review status: criteria provided, conflicting classifications (1 of 4 stars). 4 submissions from 4 submitters: Uncertain significance (1); Likely benign (3). Last evaluated 2026-02-03.

Conditions:
Loeys-Dietz syndrome (LDS). Identifiers: Orphanet 60030, MedGen C2697932, MONDO:0018954.
Familial thoracic aortic aneurysm and aortic dissection (TAAD). Also called: Thoracic aortic aneurysms and dissections. Identifiers: Orphanet 91387, MedGen C4707243, MONDO:0019625.

Allele frequency attached by ClinVar (database versions not stated): gnomAD exomes below 0.00001 and 0.00001; gnomAD 0.00001; TOPMed 0.00001; ExAC 0.00002.
gnomAD v4.1: 11 of 1,613,974 alleles (0.00068%); highest among the groups gnomAD compares: Middle Eastern, 0.049%; no homozygotes.

Submissions (4):

Ambry Genetics
Classification: Uncertain significance for Familial thoracic aortic aneurysm and aortic dissection. Last evaluated: 2026-02-03. Review status: criteria provided, single submitter. Criteria: Ambry Variant Classification Scheme 2023. Collection method: clinical testing. Allele origin: germline.
Comment: The c.888A>G variant (also known as p.T296T), located in coding exon 5 of the TGFBR1 gene, results from an A to G substitution at nucleotide position 888. This nucleotide substitution does not change the amino acid at codon 296. This nucleotide position is not well conserved in available vertebrate species. In silico splice site analysis for this alteration is inconclusive. Based on the available evidence, the clinical significance of this variant remains unclear.

Labcorp Genetics (formerly Invitae), Labcorp
Classification: Likely benign for Familial thoracic aortic aneurysm and aortic dissection. Last evaluated: 2025-06-03. Review status: criteria provided, single submitter. Criteria: Invitae Variant Classification Sherloc (09022015). Collection method: clinical testing. Allele origin: germline.

All of Us Research Program, National Institutes of Health
Classification: Likely benign for Loeys-Dietz syndrome. Last evaluated: 2023-11-30. Review status: criteria provided, single submitter. Criteria: ACMG Guidelines, 2015. Collection method: clinical testing. Allele origin: germline. Inheritance: Autosomal dominant inheritance. Observed: 4 variant alleles, 4 heterozygotes.
Comment: This study involves interpretation of variants in research participants for the purpose of population health screening. Participant phenotype was not available at the time of variant classification. Additional details can be found in publication PMID: 35346344, PMCID: PMC8962531

Color Diagnostics, LLC DBA Color Health
Classification: Likely benign for Familial thoracic aortic aneurysm and aortic dissection. Last evaluated: 2020-02-18. Review status: criteria provided, single submitter. Criteria: ACMG Guidelines, 2015. Collection method: clinical testing. Allele origin: germline.

NM_004612.4(TGFBR1):c.888A>G (p.Thr296=)

Gene: TGFBR1 (transforming growth factor beta receptor 1; plus strand). Cytogenetic location: 9q22.33.
Variant type: single nucleotide variant.
Coding change: c.888A>G on transcript NM_004612.4 (MANE Select); coding-DNA position 888, A replaced by G.
Protein change: p.Thr296=; no amino-acid change (threonine 296 retained).
Molecular consequence: synonymous variant.
Genome position (GRCh38, 1-based): chr9:99,142,618, A>G. VCF-style: chr9-99142618-A-G. GRCh37 (hg19) VCF-style: chr9-101904900-A-G.
Other names: c.657A>G, p.Thr219= (NM_001130916.3); c.900A>G, p.Thr300= (NM_001306210.2).
Identifiers: ClinVar variation 701135 (VCV000701135.12), dbSNP rs201943631, ClinGen allele CA043269.